The following is an entry in ClinVar:

NM_004304.5(ALK):c.935C>T (p.Ser312Phe)

Gene: ALK (ALK receptor tyrosine kinase; minus strand). Cytogenetic location: 2p23.2.
Variant type: single nucleotide variant.
Coding change: c.935C>T on transcript NM_004304.5 (MANE Select); coding-DNA position 935, C replaced by T.
Protein change: p.Ser312Phe; replaces serine 312 with phenylalanine.
Molecular consequence: missense variant.
Genome position (GRCh38, 1-based): chr2:29,694,867, G>A on the plus strand (C>T on the coding strand, the complement: ALK is on the minus strand). VCF-style: chr2-29694867-G-A. GRCh37 (hg19) VCF-style: chr2-29917733-G-A.
Other names: short protein forms S312F.
Identifiers: ClinVar variation 2586700 (VCV002586700.2), dbSNP rs772219619, ClinGen allele CA346586844.
Genomic context (GRCh38, chr2:29,694,867, plus strand): 5'-GGCCCTGACCCACCCAGGACATCACCAGCAGCCTCTCCCTTACCTCTGGGCATCTCCTTA[G>A]AACGCTCTGCCCCAGGCCCATCCAGCAAGTCCATCTGGGAGGCCTCCTCGGAGGGGATGC-3'
Protein context (NP_004295.2, residues 302-322): DLLDGPGAER[Ser312Phe]KEMPRGSFLL

ClinVar aggregate classification (germline): Uncertain significance (1 of 4 stars; one submission).

Conditions:
Hereditary cancer-predisposing syndrome. Also called: Hereditary neoplastic syndrome; Tumor predisposition; Hereditary Cancer Syndrome; Neoplastic Syndromes, Hereditary. Identifiers: Orphanet 140162, MedGen C0027672, MeSH D009386, MONDO:0015356.

Submission:

Ambry Genetics
Classification: Uncertain significance for Hereditary cancer-predisposing syndrome. Last evaluated: 2023-08-24. Review status: criteria provided, single submitter. Criteria: Ambry Variant Classification Scheme 2023. Collection method: clinical testing. Allele origin: germline.
Comment: The p.S312F variant (also known as c.935C>T), located in coding exon 3 of the ALK gene, results from a C to T substitution at nucleotide position 935. The serine at codon 312 is replaced by phenylalanine, an amino acid with highly dissimilar properties. This amino acid position is conserved. In addition, this alteration is predicted to be tolerated by in silico analysis. Since supporting evidence is limited at this time, the clinical significance of this alteration remains unclear.